The following is an entry in ClinVar:

NM_003907.3(EIF2B5):c.308A>G (p.Lys103Arg)

Gene: EIF2B5 (eukaryotic translation initiation factor 2B subunit epsilon; plus strand). Cytogenetic location: 3q27.1.
Variant type: single nucleotide variant.
Coding change: c.308A>G on transcript NM_003907.3 (MANE Select); coding-DNA position 308, A replaced by G.
Protein change: p.Lys103Arg; replaces lysine 103 with arginine.
Molecular consequence: missense variant.
Genome position (GRCh38, 1-based): chr3:184,136,724, A>G. VCF-style: chr3-184136724-A-G. GRCh37 (hg19) VCF-style: chr3-183854512-A-G.
Other names: short protein forms K103R.
Identifiers: ClinVar variation 4874453 (VCV004874453.2).

ClinVar aggregate classification (germline): Uncertain significance (1 of 4 stars; one submission).

Submission:

CeGaT Center for Human Genetics Tuebingen
Classification: Uncertain significance. Last evaluated: 2026-04-01. Review status: criteria provided, single submitter. Criteria: CeGaT Center For Human Genetics Tuebingen Variant Classification Criteria Version 2. Collection method: clinical testing. Allele origin: germline. Affected: yes. Observed: 1 variant allele.
Comment: EIF2B5: PM2